The following is an entry in ClinVar:

ClinVar aggregate classification (germline): Benign. Review status: criteria provided, multiple submitters, no conflicts (2 of 4 stars). 3 submissions from 3 submitters: Benign (3). Last evaluated 2024-07-15.

Allele frequency attached by ClinVar (database versions not stated): gnomAD 0.39721 and 0.40009; 1000 Genomes Project 0.41034; TOPMed 0.41199; 1000 Genomes Project 30x 0.41677.
gnomAD v4.1: 538,294 of 1,514,880 alleles (36%); highest among the groups gnomAD compares: African/African-American, 58%; 99,563 homozygotes.

Submissions (3):

Unidad de Genómica Garrahan, Hospital de Pediatría Garrahan
Classification: Benign. Last evaluated: 2024-07-15. Review status: criteria provided, single submitter. Criteria: ACMG Guidelines, 2015. Collection method: clinical testing. Allele origin: germline. Affected: no. Observed: 53 variant alleles.
Comment: This variant is classified as Benign based on local population frequency. This variant was detected in 57% of patients studied in a panel designed for Epileptic and Developmental Encephalopathy and Progressive Myoclonus Epilepsy. Number of patients: 53. Only high quality variants are reported.

GeneDx
Classification: Benign. Last evaluated: 2021-03-14. Review status: criteria provided, single submitter. Criteria: GeneDx Variant Classification Process June 2021. Collection method: clinical testing. Allele origin: germline. Affected: yes.

Breakthrough Genomics
Classification: Benign. Review status: criteria provided, single submitter. Criteria: ACMG Guidelines, 2015. Collection method: not provided. Allele origin: germline. Inheritance: Autosomal recessive inheritance. Affected: yes.

NM_001367561.1(DOCK7):c.1425+72G>A

Gene: DOCK7 (dedicator of cytokinesis 7; minus strand). Cytogenetic location: 1p31.3.
Variant type: single nucleotide variant.
Coding change: c.1425+72G>A on transcript NM_001367561.1 (MANE Select); 72 bases into the intron after coding-DNA position 1425, G replaced by A.
Molecular consequence: intron variant.
Genome position (GRCh38, 1-based): chr1:62,625,187, C>T on the plus strand (G>A on the coding strand, the complement: DOCK7 is on the minus strand). VCF-style: chr1-62625187-C-T. GRCh37 (hg19) VCF-style: chr1-63090858-C-T.
Other names: c.1425+72G>A (NM_001272001.2, NM_001272000.2, NM_033407.4 and 3 more transcripts).
Identifiers: ClinVar variation 1296231 (VCV001296231.5), dbSNP rs6587980, ClinGen allele CA23773184.